The following is an entry in ClinVar:

ClinVar aggregate classification (germline): Uncertain significance (1 of 4 stars; one submission).

Conditions:
ALG12-congenital disorder of glycosylation (CDG1G). Also called: ALG12-CDG; Congenital disorder of glycosylation, type Ig; CDG Ig. Identifiers: Orphanet 79324, MedGen C2931001, MONDO:0011783, OMIM 607143.

Submission:

Labcorp Genetics (formerly Invitae), Labcorp
Classification: Uncertain significance for ALG12-congenital disorder of glycosylation. Last evaluated: 2022-07-21. Review status: criteria provided, single submitter. Criteria: Invitae Variant Classification Sherloc (09022015). Collection method: clinical testing. Allele origin: germline.
Comment: In summary, the available evidence is currently insufficient to determine the role of this variant in disease. Therefore, it has been classified as a Variant of Uncertain Significance. Experimental studies and prediction algorithms are not available or were not evaluated, and the functional significance of this variant is currently unknown. This variant has not been reported in the literature in individuals affected with ALG12-related conditions. This variant is not present in population databases (gnomAD no frequency). This variant, c.393_395del, results in the deletion of 1 amino acid(s) of the ALG12 protein (p.Cys131del), but otherwise preserves the integrity of the reading frame.

NM_024105.4(ALG12):c.390CTG[1] (p.Cys131del)

Gene: ALG12 (ALG12 alpha-1,6-mannosyltransferase; minus strand). Cytogenetic location: 22q13.33.
Variant type: Microsatellite.
Coding change: c.390CTG[1] on transcript NM_024105.4 (MANE Select); one copy of the 3-base unit CTG starting at c.390; the reference has two copies in a row; one copy, 3 bases deleted.
Protein change: p.Cys131del; deletes cysteine 131.
Molecular consequence: inframe deletion.
Genome position (GRCh38, 1-based): chr22:49,910,508-49,910,510, CAG deleted on the plus strand (CTG on the coding strand, the reverse complement: ALG12 is on the minus strand); deleting any 3 consecutive bases within chr22:49,910,508-49,910,513 gives the same sequence; the position shown is the placement nearest the transcript's 3' end. VCF-style (leftmost placement, unchanged base first): chr22-49910507-CCAG-C. GRCh37 (hg19) VCF-style: chr22-50304155-CCAG-C.
Other names: short protein forms C131del.
Identifiers: ClinVar variation 1926297 (VCV001926297.5), dbSNP rs2519269439, ClinGen allele CA645605339.
Genomic context (GRCh38, chr22:49,910,507, plus strand): 5'-CAGCACATTGGGCAGTGTCCGCGTGCAGTAGAACATCAGGTGGAACTGCATGGCCGTCAC[CCAG>C]CAGAACATGGTGGCCACCATGGCCCCGAAGTGCCGTCTCACTTCCTTTTGTAACGTCCAG-3'